The following is an entry in ClinVar:

ClinVar aggregate classification (germline): Benign/Likely benign. Review status: criteria provided, multiple submitters, no conflicts (2 of 4 stars). 5 submissions from 5 submitters: Benign (1); Likely benign (3). 1 of the submissions does not count toward it. Last evaluated 2026-02-04.

Conditions:
CYP11A1-related disorder. Also called: CYP11A1-related condition.
Congenital adrenal insufficiency with 46, XY sex reversal OR 46,XY disorder of sex development-adrenal insufficiency due to CYP11A1 deficiency. Also called: Congenital adrenal insuffiency with 46, XY sex reversal OR 46,XY disorder of sex development-adrenal insufficiency due to CYP11A1 deficiency; P450scc DEFICIENCY. Identifiers: Orphanet 168558, MedGen C3151055, MONDO:0013400, OMIM 613743.

Allele frequency attached by ClinVar (database versions not stated): gnomAD 0.00009 and 0.00037; TOPMed 0.00011; ESP Exome Variant Server 0.00015; ExAC 0.00116; 1000 Genomes Project 0.00120; 1000 Genomes Project 30x 0.00125; gnomAD exomes 0.00054 and 0.00101.
gnomAD v4.1: 833 of 1,613,778 alleles (0.052%); highest among the groups gnomAD compares: South Asian, 0.82%; 11 homozygotes.

Submissions (5):

Labcorp Genetics (formerly Invitae), Labcorp
Classification: Benign. Last evaluated: 2026-02-04. Review status: criteria provided, single submitter. Criteria: Invitae Variant Classification Sherloc (09022015). Collection method: clinical testing. Allele origin: germline.

Genetic Services Laboratory, University of Chicago
Classification: Likely benign. Last evaluated: 2020-08-26. Review status: criteria provided, single submitter. Criteria: ACMG Guidelines, 2015. Collection method: clinical testing. Allele origin: germline. Affected: no.

Illumina Laboratory Services, Illumina
Classification: Likely benign for Congenital adrenal insufficiency with 46, XY sex reversal OR 46,XY disorder of sex development-adrenal insufficiency due to CYP11A1 deficiency. Last evaluated: 2018-01-13. Review status: criteria provided, single submitter. Criteria: ICSL Variant Classification Criteria 13 December 2019. Collection method: clinical testing. Allele origin: germline.
Comment: This variant was observed in the ICSL laboratory as part of a predisposition screen in an ostensibly healthy population. It had not been previously curated by ICSL or reported in the Human Gene Mutation Database (HGMD: prior to June 1st, 2018), and was therefore a candidate for classification through an automated scoring system. Utilizing variant allele frequency, disease prevalence and penetrance estimates, and inheritance mode, an automated score was calculated to assess if this variant is too frequent to cause the disease. Based on the score and internal cut-off values, a variant classified as likely benign is not then subjected to further curation. The score for this variant resulted in a classification of likely benign for this disease.

Breakthrough Genomics
Classification: Likely benign. Review status: criteria provided, single submitter. Criteria: ACMG Guidelines, 2015. Collection method: not provided. Allele origin: germline. Inheritance: Unknown mechanism. Affected: yes.

PreventionGenetics, part of Exact Sciences
Classification: Likely benign for CYP11A1-related condition. Last evaluated: 2024-09-04. Review status: no assertion criteria provided. Collection method: clinical testing. Allele origin: germline. Not counted in ClinVar's aggregate classification.
Comment: This variant is classified as likely benign based on ACMG/AMP sequence variant interpretation guidelines (Richards et al. 2015 PMID: 25741868, with internal and published modifications).

NM_000781.3(CYP11A1):c.1158-5C>T

Gene: CYP11A1 (cytochrome P450 family 11 subfamily A member 1; minus strand). Cytogenetic location: 15q24.1.
Variant type: single nucleotide variant.
Coding change: c.1158-5C>T on transcript NM_000781.3 (MANE Select); 5 bases into the intron before coding-DNA position 1158, C replaced by T.
Molecular consequence: intron variant.
Genome position (GRCh38, 1-based): chr15:74,339,320, G>A on the plus strand (C>T on the coding strand, the complement: CYP11A1 is on the minus strand). VCF-style: chr15-74339320-G-A. GRCh37 (hg19) VCF-style: chr15-74631661-G-A.
Other names: c.684-5C>T (NM_001099773.2).
Identifiers: ClinVar variation 735655 (VCV000735655.17), dbSNP rs377242922, ClinGen allele CA7656342.